The following is an entry in ClinVar:

ClinVar aggregate classification (germline): Uncertain significance. Review status: criteria provided, multiple submitters, no conflicts (2 of 4 stars). 2 submissions from 2 submitters: Uncertain significance (2). Last evaluated 2022-06-28.

Conditions:
Hereditary cancer-predisposing syndrome. Also called: Hereditary Cancer Syndrome; Hereditary neoplastic syndrome; Neoplastic Syndromes, Hereditary; Tumor predisposition. Identifiers: Orphanet 140162, MedGen C0027672, MeSH D009386, MONDO:0015356.
Hereditary diffuse gastric adenocarcinoma (HDGC). Also called: DIFFUSE GASTRIC AND LOBULAR BREAST CANCER SYNDROME. Identifiers: Orphanet 26106, MedGen C1708349, MONDO:0007648, OMIM 137215.

Allele frequency attached by ClinVar (database versions not stated): gnomAD exomes below 0.00001.
gnomAD v4.1: 1 of 1,614,098 alleles (0.000062%); highest among the groups gnomAD compares: Non-Finnish European, 0.000085%; no homozygotes.

Submissions (2):

Labcorp Genetics (formerly Invitae), Labcorp
Classification: Uncertain significance for Hereditary diffuse gastric adenocarcinoma. Last evaluated: 2022-06-28. Review status: criteria provided, single submitter. Criteria: Invitae Variant Classification Sherloc (09022015). Collection method: clinical testing. Allele origin: germline.
Comment: This sequence change replaces serine, which is neutral and polar, with tyrosine, which is neutral and polar, at codon 145 of the CDH1 protein (p.Ser145Tyr). This variant is not present in population databases (gnomAD no frequency). This variant has not been reported in the literature in individuals affected with CDH1-related conditions. ClinVar contains an entry for this variant (Variation ID: 920997). Algorithms developed to predict the effect of missense changes on protein structure and function (SIFT, PolyPhen-2, Align-GVGD) all suggest that this variant is likely to be tolerated. In summary, the available evidence is currently insufficient to determine the role of this variant in disease. Therefore, it has been classified as a Variant of Uncertain Significance.

Color Diagnostics, LLC DBA Color Health
Classification: Uncertain significance for Hereditary cancer-predisposing syndrome. Last evaluated: 2018-11-06. Review status: criteria provided, single submitter. Criteria: ACMG Guidelines, 2015. Collection method: clinical testing. Allele origin: germline.

NM_004360.5(CDH1):c.434C>A (p.Ser145Tyr)

Gene: CDH1 (cadherin 1; plus strand). Cytogenetic location: 16q22.1.
Variant type: single nucleotide variant.
Coding change: c.434C>A on transcript NM_004360.5 (MANE Select); coding-DNA position 434, C replaced by A.
Protein change: p.Ser145Tyr; replaces serine 145 with tyrosine.
Molecular consequence: missense variant. On other transcripts: 5 prime UTR variant (2).
Genome position (GRCh38, 1-based): chr16:68,808,470, C>A. VCF-style: chr16-68808470-C-A. GRCh37 (hg19) VCF-style: chr16-68842373-C-A.
Other names: c.434C>A, p.Ser145Tyr (NM_001317184.2); c.-1182C>A (NM_001317185.2); c.-1386C>A (NM_001317186.2); short protein forms S145Y.
Identifiers: ClinVar variation 920997 (VCV000920997.7), dbSNP rs1960726290, ClinGen allele CA396457611.
Genomic context (GRCh38, chr16:68,808,470, plus strand): 5'-TTCTTTCCTTTTAGGCCTCCGTTTCTGGAATCCAAGCAGAATTGCTCACATTTCCCAACT[C>A]CTCTCCTGGCCTCAGAAGACAGAAGAGAGACTGGGTTATTCCTCCCATCAGCTGCCCAGA-3'
Protein context (NP_004351.1, residues 135-155): IQAELLTFPN[Ser145Tyr]SPGLRRQKRD